The following is an entry in ClinVar:

ClinVar aggregate classification (germline): Uncertain significance. Review status: criteria provided, multiple submitters, no conflicts (2 of 4 stars). 2 submissions from 2 submitters: Uncertain significance (2). Last evaluated 2024-09-23.

Conditions:
Benign neonatal seizures. Also called: Benign familial neonatal seizures; Convulsions benign familial neonatal dominant form; Autosomal dominant form of benign neonatal seizures; Benign neonatal familial convulsions; Benign familial neonatal epilepsy. Identifiers: Orphanet 1949, MedGen C0220669, MONDO:0016027.

Allele frequency attached by ClinVar (database versions not stated): gnomAD exomes below 0.00001.
gnomAD v4.1: 2 of 1,614,132 alleles (0.00012%); highest among the groups gnomAD compares: Non-Finnish European, 0.00017%; no homozygotes.

Submissions (2):

Blueprint Genetics
Classification: Uncertain significance. Last evaluated: 2024-09-23. Review status: criteria provided, single submitter. Criteria: ACMG Guidelines, 2015. Collection method: clinical testing. Allele origin: germline.

Labcorp Genetics (formerly Invitae), Labcorp
Classification: Uncertain significance for Benign neonatal seizures. Last evaluated: 2023-10-28. Review status: criteria provided, single submitter. Criteria: Invitae Variant Classification Sherloc (09022015). Collection method: clinical testing. Allele origin: germline.
Comment: This sequence change replaces arginine, which is basic and polar, with histidine, which is basic and polar, at codon 436 of the KCNQ3 protein (p.Arg436His). This variant is not present in population databases (gnomAD no frequency). This variant has not been reported in the literature in individuals affected with KCNQ3-related conditions. Advanced modeling of protein sequence and biophysical properties (such as structural, functional, and spatial information, amino acid conservation, physicochemical variation, residue mobility, and thermodynamic stability) performed at Invitae indicates that this missense variant is not expected to disrupt KCNQ3 protein function with a negative predictive value of 80%. In summary, the available evidence is currently insufficient to determine the role of this variant in disease. Therefore, it has been classified as a Variant of Uncertain Significance.

NM_004519.4(KCNQ3):c.1307G>A (p.Arg436His)

Gene: KCNQ3 (potassium voltage-gated channel subfamily Q member 3; minus strand). Cytogenetic location: 8q24.22.
Variant type: single nucleotide variant.
Coding change: c.1307G>A on transcript NM_004519.4 (MANE Select); coding-DNA position 1307, G replaced by A.
Protein change: p.Arg436His; replaces arginine 436 with histidine.
Molecular consequence: missense variant.
Genome position (GRCh38, 1-based): chr8:132,141,287, C>T on the plus strand (G>A on the coding strand, the complement: KCNQ3 is on the minus strand). VCF-style: chr8-132141287-C-T. GRCh37 (hg19) VCF-style: chr8-133153534-C-T.
Other names: c.947G>A, p.Arg316His (NM_001204824.2); short protein forms R436H, R316H.
Identifiers: ClinVar variation 2772400 (VCV002772400.4), dbSNP rs2536882571, ClinGen allele CA372220343.